The following is an entry in ClinVar:

ClinVar aggregate classification (germline): Benign. Review status: criteria provided, single submitter (1 of 4 stars). 2 submissions from 1 submitter: Benign (1). 1 of the submissions does not count toward it. Last evaluated 2018-05-30.

Submissions (2):

GeneDx
Classification: Benign. Last evaluated: 2018-05-30. Review status: criteria provided, single submitter. Criteria: GeneDx Variant Classification Process June 2021. Collection method: clinical testing. Allele origin: germline. Affected: yes.

GeneDx
Classification: Benign. Last evaluated: 2016-09-30. Review status: flagged submission. Criteria: GeneDx Variant Classification Process June 2021. Collection method: clinical testing. Allele origin: germline. Affected: yes. Not counted in ClinVar's aggregate classification.
ClinVar note: Reason: This record appears to be redundant with a more recent record from the same submitter.
ClinVar note: Notes: SCV001898333 appears to be redundant with SCV000730953.

NM_001128225.3(SLC39A13):c.-29CGC[7]

Genes: SLC39A13 (solute carrier family 39 member 13; plus strand), SLC39A13-AS1 (SLC39A13 antisense RNA 1; minus strand). Cytogenetic location: 11p11.2.
Variant type: Microsatellite.
Coding change: c.-29CGC[7] on transcript NM_001128225.3 (MANE Select); seven copies in a row of the 3-base unit CGC starting at c.-29; the reference has six copies in a row; one copy, 3 bases duplicated.
Molecular consequence: 5 prime UTR variant.
Genome position (GRCh38, 1-based): chr11:47,408,657-47,408,659, CGC duplicated; duplicating any 3 consecutive bases within chr11:47,408,642-47,408,659 gives the same sequence; the position shown is the placement nearest the transcript's 3' end. VCF-style (leftmost placement, unchanged base first): chr11-47408641-T-TCGC. GRCh37 (hg19) VCF-style: chr11-47430192-T-TCGC.
Other names: c.-51_-50insCGC (NM_152264.4); c.-29CGC[7] (NM_001330245.2); c.-50CGC[7] (NM_152264.5).
Identifiers: ClinVar variation 517012 (VCV000517012.3), dbSNP rs551004316, ClinGen allele CA221686392.